The following is an entry in ClinVar:

ClinVar aggregate classification (germline): Uncertain significance. Review status: criteria provided, multiple submitters, no conflicts (2 of 4 stars). 2 submissions from 2 submitters: Uncertain significance (2). Last evaluated 2025-03-13.

gnomAD v4.1: 1 of 1,614,138 alleles (0.000062%); highest among the groups gnomAD compares: Non-Finnish European, 0.000085%; no homozygotes.

Submissions (2):

Labcorp Genetics (formerly Invitae), Labcorp
Classification: Uncertain significance. Last evaluated: 2025-03-13. Review status: criteria provided, single submitter. Criteria: Invitae Variant Classification Sherloc (09022015). Collection method: clinical testing. Allele origin: germline.
Comment: This sequence change replaces asparagine, which is neutral and polar, with lysine, which is basic and polar, at codon 428 of the ABCC6 protein (p.Asn428Lys). This variant is not present in population databases (gnomAD no frequency). This missense change has been observed in individual(s) with clinical features of pseudoxanthoma elasticum (PMID: 28102862, 34205333). ClinVar contains an entry for this variant (Variation ID: 2137792). Invitae Evidence Modeling of protein sequence and biophysical properties (such as structural, functional, and spatial information, amino acid conservation, physicochemical variation, residue mobility, and thermodynamic stability) has been performed for this missense variant. However, the output from this modeling did not meet the statistical confidence thresholds required to predict the impact of this variant on ABCC6 protein function. In summary, the available evidence is currently insufficient to determine the role of this variant in disease. Therefore, it has been classified as a Variant of Uncertain Significance.

CeGaT Center for Human Genetics Tuebingen
Classification: Uncertain significance. Last evaluated: 2024-04-01. Review status: criteria provided, single submitter. Criteria: CeGaT Center For Human Genetics Tuebingen Variant Classification Criteria Version 2. Collection method: clinical testing. Allele origin: germline. Affected: yes. Observed: 1 variant allele.
Comment: ABCC6: PM2

Literature cited by the submitters: PubMed 28102862 (cited by Labcorp Genetics (formerly Invitae), Labcorp); PubMed 34205333 (cited by Labcorp Genetics (formerly Invitae), Labcorp).

NM_001171.6(ABCC6):c.1284C>G (p.Asn428Lys)

Gene: ABCC6 (ATP binding cassette subfamily C member 6; minus strand). Cytogenetic location: 16p13.11.
Variant type: single nucleotide variant.
Coding change: c.1284C>G on transcript NM_001171.6 (MANE Select); coding-DNA position 1284, C replaced by G.
Protein change: p.Asn428Lys; replaces asparagine 428 with lysine.
Molecular consequence: missense variant. On other transcripts: non-coding transcript variant (1).
Genome position (GRCh38, 1-based): chr16:16,198,075, G>C on the plus strand (C>G on the coding strand, the complement: ABCC6 is on the minus strand). VCF-style: chr16-16198075-G-C. GRCh37 (hg19) VCF-style: chr16-16291932-G-C.
Other names: c.942C>G, p.Asn314Lys (NM_001351800.1); short protein forms N428K, N314K.
Identifiers: ClinVar variation 2137792 (VCV002137792.24), dbSNP rs57499497, ClinGen allele CA394890258.